The following is an entry in ClinVar:

ClinVar aggregate classification (germline): Uncertain significance. Review status: criteria provided, multiple submitters, no conflicts (2 of 4 stars). 3 submissions from 3 submitters: Uncertain significance (3). Last evaluated 2024-11-11.

Conditions:
RAI1-related disorder. Also called: RAI1-related condition.
Inborn genetic diseases. Identifiers: MedGen C0950123, MeSH D030342.

Allele frequency attached by ClinVar (database versions not stated): TOPMed below 0.00001.
gnomAD v4.1: 3 of 1,613,432 alleles (0.00019%); highest among the groups gnomAD compares: Non-Finnish European, 0.00025%; no homozygotes.

Submissions (3):

Labcorp Genetics (formerly Invitae), Labcorp
Classification: Uncertain significance. Last evaluated: 2024-11-11. Review status: criteria provided, single submitter. Criteria: Invitae Variant Classification Sherloc (09022015). Collection method: clinical testing. Allele origin: germline.
Comment: This sequence change replaces leucine, which is neutral and non-polar, with phenylalanine, which is neutral and non-polar, at codon 1269 of the RAI1 protein (p.Leu1269Phe). This variant is not present in population databases (gnomAD no frequency). This variant has not been reported in the literature in individuals affected with RAI1-related conditions. ClinVar contains an entry for this variant (Variation ID: 2628869). Invitae Evidence Modeling of protein sequence and biophysical properties (such as structural, functional, and spatial information, amino acid conservation, physicochemical variation, residue mobility, and thermodynamic stability) indicates that this missense variant is expected to disrupt RAI1 protein function with a positive predictive value of 80%. In summary, the available evidence is currently insufficient to determine the role of this variant in disease. Therefore, it has been classified as a Variant of Uncertain Significance.

Ambry Genetics
Classification: Uncertain significance for Inborn genetic diseases. Last evaluated: 2024-04-17. Review status: criteria provided, single submitter. Criteria: Ambry Variant Classification Scheme 2023. Collection method: clinical testing. Allele origin: germline.

PreventionGenetics, part of Exact Sciences
Classification: Uncertain significance for RAI1-related condition. Last evaluated: 2023-07-06. Review status: criteria provided, single submitter. Criteria: ACMG Guidelines, 2015. Collection method: clinical testing. Allele origin: germline.
Comment: The RAI1 c.3805C>T variant is predicted to result in the amino acid substitution p.Leu1269Phe. To our knowledge, this variant has not been reported in the literature or in a large population database, indicating this variant is rare. At this time, the clinical significance of this variant is uncertain due to the absence of conclusive functional and genetic evidence.

NM_030665.4(RAI1):c.3805C>T (p.Leu1269Phe)

Gene: RAI1 (retinoic acid induced 1; plus strand). Cytogenetic location: 17p11.2.
Variant type: single nucleotide variant.
Coding change: c.3805C>T on transcript NM_030665.4 (MANE Select); coding-DNA position 3805, C replaced by T.
Protein change: p.Leu1269Phe; replaces leucine 1269 with phenylalanine.
Molecular consequence: missense variant.
Genome position (GRCh38, 1-based): chr17:17,796,753, C>T. VCF-style: chr17-17796753-C-T. GRCh37 (hg19) VCF-style: chr17-17700067-C-T.
Other names: short protein forms L1269F.
Identifiers: ClinVar variation 2628869 (VCV002628869.5), dbSNP rs2032271840, ClinGen allele CA398554973.